The following is an entry in ClinVar:

NM_001572.5(IRF7):c.28C>G (p.Pro10Ala)

Gene: IRF7 (interferon regulatory factor 7; minus strand). Cytogenetic location: 11p15.5.
Variant type: single nucleotide variant.
Coding change: c.28C>G on transcript NM_001572.5 (MANE Select); coding-DNA position 28, C replaced by G.
Protein change: p.Pro10Ala; replaces proline 10 with alanine.
Molecular consequence: missense variant.
Genome position (GRCh38, 1-based): chr11:615,252, G>C on the plus strand (C>G on the coding strand, the complement: IRF7 is on the minus strand). VCF-style: chr11-615252-G-C. GRCh37 (hg19) VCF-style: chr11-615252-G-C.
Other names: c.67C>G, p.Pro23Ala (NM_001440440.1, NM_001440444.1, NM_004031.4); c.28C>G, p.Pro10Ala (NM_001440442.1, NM_001440445.1, NM_001440446.1 and 1 more transcripts); short protein forms P23A, P10A.
Identifiers: ClinVar variation 4740216 (VCV004740216.1).

ClinVar aggregate classification (germline): Uncertain significance (1 of 4 stars; one submission).

Conditions:
Immunodeficiency 39 (IMD39). Identifiers: Orphanet 574918, MedGen C4225358, MONDO:0014597, OMIM 616345.

Submission:

Labcorp Genetics (formerly Invitae), Labcorp
Classification: Uncertain significance for Immunodeficiency 39. Last evaluated: 2025-12-01. Review status: criteria provided, single submitter. Criteria: Invitae Variant Classification Sherloc (09022015). Collection method: clinical testing. Allele origin: germline.
Comment: This sequence change replaces proline, which is neutral and non-polar, with alanine, which is neutral and non-polar, at codon 23 of the IRF7 protein (p.Pro23Ala). This variant is present in population databases (no rsID available, gnomAD 0.003%). This variant has not been reported in the literature in individuals affected with IRF7-related conditions. Invitae Evidence Modeling of protein sequence and biophysical properties (such as structural, functional, and spatial information, amino acid conservation, physicochemical variation, residue mobility, and thermodynamic stability) indicates that this missense variant is not expected to disrupt IRF7 protein function with a negative predictive value of 80%. In summary, the available evidence is currently insufficient to determine the role of this variant in disease. Therefore, it has been classified as a Variant of Uncertain Significance.